The following is an entry in ClinVar:

ClinVar aggregate classification (germline): Pathogenic (1 of 4 stars; one submission).

Conditions:
Mucopolysaccharidosis, MPS-II (MPS2). Also called: Hunter Syndrome; IDURONATE 2-SULFATASE DEFICIENCY; Mucopolysaccharidosis Type II; Mucopolysaccharidosis type 2; Attenuated MPS (subtype; formerly known as mild MPS II); Severe MPS II. Identifiers: Orphanet 580, Orphanet 79388, MedGen C0026705, MONDO:0010674, OMIM 309900.

Submission:

Laboratory of Diagnosis and Therapy of Lysosomal Disorders, University of Padova
Classification: Pathogenic for Mucopolysaccharidosis, MPS-II. Last evaluated: 2024-06-07. Review status: criteria provided, single submitter. Criteria: ACMG Guidelines, 2015. Collection method: literature only. Allele origin: germline. Affected: yes. Observed: 1 variant allele.
Comment: Null variant (PVS1_VeryStrong), Absent from controls (or at low frequency) in gnomAD database (PM2_Moderate), Patient’s phenotype or family history highly specific for the disease (PP4_Strong)

Classification method: ACMG Guidelines [PMID:25741868] with modifications

Literature cited by the submitters: PubMed 9875019.

NM_000202.8(IDS):c.705del (p.Lys236fs)

Genes: IDS (iduronate 2-sulfatase; minus strand), LOC106050102 (IDS recombination region; plus strand). Cytogenetic location: Xq28.
Variant type: Deletion.
Coding change: c.705del on transcript NM_000202.8 (MANE Select); coding-DNA position 705, one base deleted (C; older notation c.705delC).
Protein change: p.Lys236fs; shifts the reading frame from lysine 236.
Molecular consequence: frameshift variant. On other transcripts: non-coding transcript variant (1).
Genome position (GRCh38, 1-based): chrX:149,498,110, G deleted on the plus strand (C on the coding strand, the reverse complement: IDS is on the minus strand); the first of 4 consecutive G bases (chrX:149,498,110-149,498,113); deleting any one gives the same sequence. VCF-style (leftmost placement, unchanged base first): chrX-149498109-TG-T. GRCh37 (hg19) VCF-style: chrX-148579640-TG-T.
Other names: c.435del, p.Lys146fs (NM_001166550.4); c.705del, p.Lys236fs (NM_006123.5); short protein forms K146fs, K236fs.
Identifiers: ClinVar variation 3255812 (VCV003255812.2).